The following is an entry in ClinVar:

NM_003803.4(MYOM1):c.3092G>A (p.Cys1031Tyr)

Gene: MYOM1 (myomesin 1; minus strand). Cytogenetic location: 18p11.31.
Variant type: single nucleotide variant.
Coding change: c.3092G>A on transcript NM_003803.4 (MANE Select); coding-DNA position 3092, G replaced by A.
Protein change: p.Cys1031Tyr; replaces cysteine 1031 with tyrosine.
Molecular consequence: missense variant.
Genome position (GRCh38, 1-based): chr18:3,119,895, C>T on the plus strand (G>A on the coding strand, the complement: MYOM1 is on the minus strand). VCF-style: chr18-3119895-C-T. GRCh37 (hg19) VCF-style: chr18-3119893-C-T.
Other names: c.2804G>A, p.Cys935Tyr (NM_019856.2); short protein forms C935Y, C1031Y.
Identifiers: ClinVar variation 4115972 (VCV004115972.1).

ClinVar aggregate classification (germline): Uncertain significance (1 of 4 stars; one submission).

gnomAD v4.1: 5 of 1,612,478 alleles (0.00031%); highest among the groups gnomAD compares: Non-Finnish European, 0.00042%; no homozygotes.

Submission:

Ambry Genetics
Classification: Uncertain significance. Last evaluated: 2025-06-30. Review status: criteria provided, single submitter. Criteria: Ambry Variant Classification Scheme 2023. Collection method: clinical testing. Allele origin: germline.
Comment: The p.C1031Y variant (also known as c.3092G>A), located in coding exon 19 of the MYOM1 gene, results from a G to A substitution at nucleotide position 3092. The cysteine at codon 1031 is replaced by tyrosine, an amino acid with highly dissimilar properties. This amino acid position is conserved. In addition, the in silico prediction for this alteration is inconclusive. Based on the available evidence, the clinical significance of this variant remains unclear.